The following is an entry in ClinVar:

NM_014915.3(ANKRD26):c.1532G>A (p.Gly511Glu)

Gene: ANKRD26 (ankyrin repeat domain 26; minus strand). Cytogenetic location: 10p12.1.
Variant type: single nucleotide variant.
Coding change: c.1532G>A on transcript NM_014915.3 (MANE Select); coding-DNA position 1532, G replaced by A.
Protein change: p.Gly511Glu; replaces glycine 511 with glutamic acid.
Molecular consequence: missense variant.
Genome position (GRCh38, 1-based): chr10:27,060,377, C>T on the plus strand (G>A on the coding strand, the complement: ANKRD26 is on the minus strand). VCF-style: chr10-27060377-C-T. GRCh37 (hg19) VCF-style: chr10-27349306-C-T.
Other names: c.1532G>A, p.Gly511Glu (NM_001256053.2); short protein forms G511E.
Identifiers: ClinVar variation 4733259 (VCV004733259.1).

ClinVar aggregate classification (germline): Uncertain significance (1 of 4 stars; one submission).

gnomAD v4.1: 2 of 1,612,908 alleles (0.00012%); highest among the groups gnomAD compares: Non-Finnish European, 0.00017%; no homozygotes.

Submission:

Labcorp Genetics (formerly Invitae), Labcorp
Classification: Uncertain significance. Last evaluated: 2025-12-17. Review status: criteria provided, single submitter. Criteria: Invitae Variant Classification Sherloc (09022015). Collection method: clinical testing. Allele origin: germline.
Comment: This sequence change replaces glycine, which is neutral and non-polar, with glutamic acid, which is acidic and polar, at codon 511 of the ANKRD26 protein (p.Gly511Glu). This variant is present in population databases (rs771735798, gnomAD 0.002%). This variant has not been reported in the literature in individuals affected with ANKRD26-related conditions. An algorithm developed to predict the effect of missense changes on protein structure and function outputs the following: PolyPhen-2: "Benign". The glutamic acid amino acid residue is found in multiple mammalian species, which suggests that this missense change does not adversely affect protein function. In summary, the available evidence is currently insufficient to determine the role of this variant in disease. Therefore, it has been classified as a Variant of Uncertain Significance.